The following is an entry in ClinVar:

NM_003458.4(BSN):c.7197G>A (p.Val2399=)

Gene: BSN (bassoon presynaptic cytomatrix protein; plus strand). Cytogenetic location: 3p21.31.
Variant type: single nucleotide variant.
Coding change: c.7197G>A on transcript NM_003458.4 (MANE Select); coding-DNA position 7197, G replaced by A.
Protein change: p.Val2399=; no amino-acid change (valine 2399 retained).
Molecular consequence: synonymous variant.
Genome position (GRCh38, 1-based): chr3:49,656,753, G>A. VCF-style: chr3-49656753-G-A. GRCh37 (hg19) VCF-style: chr3-49694186-G-A.
Identifiers: ClinVar variation 3037809 (VCV003037809.2), dbSNP rs182123017, ClinGen allele CA2400624.
Genomic context (GRCh38, chr3:49,656,753, plus strand): 5'-GGTGGAGTTGGAGAAGCTGCGACAACTTCGGCTGCAAGAGGAGCTAGAGCGGGAACGTGT[G>A]GAGCTGCAGAGGCACCGTGAGGAGGAGCAGCTGCTGGTGCAGCGGGAGTTGCAGGAGCTG-3'
Protein context (NP_003449.2, residues 2389-2409): RLQEELERER[Val2399=]ELQRHREEEQ

ClinVar aggregate classification (germline): Likely benign (0 of 4 stars; one submission).

Conditions:
BSN-related disorder. Also called: BSN-related condition.

Allele frequency attached by ClinVar (database versions not stated): 1000 Genomes Project 30x 0.00031; ESP Exome Variant Server 0.00031; gnomAD 0.00036; TOPMed 0.00039; 1000 Genomes Project 0.00040; ExAC 0.00049; gnomAD exomes 0.00057.
gnomAD v4.1: 865 of 1,578,394 alleles (0.055%); highest among the groups gnomAD compares: Non-Finnish European, 0.069%; 2 homozygotes.

Submission:

PreventionGenetics, part of Exact Sciences
Classification: Likely benign for BSN-related condition. Last evaluated: 2019-05-02. Review status: no assertion criteria provided. Collection method: clinical testing. Allele origin: germline.
Comment: This variant is classified as likely benign based on ACMG/AMP sequence variant interpretation guidelines (Richards et al. 2015 PMID: 25741868, with internal and published modifications).